The following is an entry in ClinVar:

NM_014159.7(SETD2):c.2T>C (p.Met1Thr)

Genes: SETD2 (SET domain containing 2, histone lysine methyltransferase; minus strand), LOC129936665 (ATAC-STARR-seq lymphoblastoid silent region 14306; plus strand). Cytogenetic location: 3p21.31.
Variant type: single nucleotide variant.
Coding change: c.2T>C on transcript NM_014159.7 (MANE Select); coding-DNA position 2, T replaced by C.
Protein change: p.Met1Thr; changes the start codon (methionine 1).
Molecular consequence: missense variant, initiator codon variant. On other transcripts: 5 prime UTR variant (1), non-coding transcript variant (1).
Genome position (GRCh38, 1-based): chr3:47,163,923, A>G on the plus strand (T>C on the coding strand, the complement: SETD2 is on the minus strand). VCF-style: chr3-47163923-A-G. GRCh37 (hg19) VCF-style: chr3-47205413-A-G.
Other names: c.-115T>C (NM_001349370.3); short protein forms M1T.
Identifiers: ClinVar variation 1304275 (VCV001304275.4), dbSNP rs1221828308, ClinGen allele CA352512823.

ClinVar aggregate classification (germline): Uncertain significance (1 of 4 stars; one submission).

Allele frequency attached by ClinVar (database versions not stated): TOPMed below 0.00001; gnomAD 0.00001.

Submission:

GeneDx
Classification: Uncertain significance. Last evaluated: 2024-12-30. Review status: criteria provided, single submitter. Criteria: GeneDx Variant Classification Process June 2021. Collection method: clinical testing. Allele origin: germline. Affected: yes.
Comment: Initiation codon variant in a gene for which loss of function is a known mechanism of disease, however an alternative Methionine exists downstream; Has not been previously published as pathogenic or benign to our knowledge